The following is an entry in ClinVar:

ClinVar aggregate classification (germline): Uncertain significance. Review status: criteria provided, multiple submitters, no conflicts (2 of 4 stars). 2 submissions from 2 submitters: Uncertain significance (2). Last evaluated 2026-07-02.

Conditions:
Microcephaly, normal intelligence and immunodeficiency (NBS). Also called: Nijmegen breakage syndrome; Microcephaly with normal intelligence immunodeficiency and lymphoreticular malignancies; Nonsyndromal microcephaly autosomal recessive with normal intelligence; Seemanova syndrome 2; BERLIN BREAKAGE SYNDROME; IMMUNODEFICIENCY, MICROCEPHALY, AND CHROMOSOMAL INSTABILITY. Identifiers: Orphanet 647, MedGen C0398791, MONDO:0009623, OMIM 251260.
Hereditary cancer-predisposing syndrome. Also called: Hereditary Cancer Syndrome; Hereditary neoplastic syndrome; Neoplastic Syndromes, Hereditary; Tumor predisposition. Identifiers: Orphanet 140162, MedGen C0027672, MeSH D009386, MONDO:0015356.

Submissions (2):

Ambry Genetics
Classification: Uncertain significance for Hereditary cancer-predisposing syndrome. Last evaluated: 2026-07-02. Review status: criteria provided, single submitter. Criteria: Ambry Variant Classification Scheme 2023. Collection method: clinical testing. Allele origin: germline.
Comment: The p.S530F variant (also known as c.1589C>T), located in coding exon 11 of the NBN gene, results from a C to T substitution at nucleotide position 1589. The serine at codon 530 is replaced by phenylalanine, an amino acid with highly dissimilar properties. This amino acid position is conserved. In addition, this alteration is predicted to be tolerated by in silico analysis. Based on the available evidence, the clinical significance of this variant remains unclear.

Labcorp Genetics (formerly Invitae), Labcorp
Classification: Uncertain significance for Microcephaly, normal intelligence and immunodeficiency. Last evaluated: 2022-11-25. Review status: criteria provided, single submitter. Criteria: Invitae Variant Classification Sherloc (09022015). Collection method: clinical testing. Allele origin: germline.
Comment: In summary, the available evidence is currently insufficient to determine the role of this variant in disease. Therefore, it has been classified as a Variant of Uncertain Significance. Algorithms developed to predict the effect of missense changes on protein structure and function (SIFT, PolyPhen-2, Align-GVGD) all suggest that this variant is likely to be tolerated. This variant has not been reported in the literature in individuals affected with NBN-related conditions. This variant is not present in population databases (gnomAD no frequency). This sequence change replaces serine, which is neutral and polar, with phenylalanine, which is neutral and non-polar, at codon 530 of the NBN protein (p.Ser530Phe).

NM_002485.5(NBN):c.1589C>T (p.Ser530Phe)

Gene: NBN (nibrin; minus strand). Cytogenetic location: 8q21.3.
Variant type: single nucleotide variant.
Coding change: c.1589C>T on transcript NM_002485.5 (MANE Select); coding-DNA position 1589, C replaced by T.
Protein change: p.Ser530Phe; replaces serine 530 with phenylalanine.
Molecular consequence: missense variant.
Genome position (GRCh38, 1-based): chr8:89,953,500, G>A on the plus strand (C>T on the coding strand, the complement: NBN is on the minus strand). VCF-style: chr8-89953500-G-A. GRCh37 (hg19) VCF-style: chr8-90965728-G-A.
Other names: c.1343C>T, p.Ser448Phe (NM_001024688.3); short protein forms S448F, S530F.
Identifiers: ClinVar variation 2816673 (VCV002816673.4), dbSNP rs920311188, ClinGen allele CA371655527.